The following is an entry in ClinVar:

NM_000051.4(ATM):c.4728dup (p.Thr1577fs)

Gene: ATM (ATM serine/threonine kinase; plus strand). Cytogenetic location: 11q22.3.
Variant type: Duplication.
Coding change: c.4728dup on transcript NM_000051.4 (MANE Select); coding-DNA position 4728, one base duplicated (T; older notation c.4728dupT).
Protein change: p.Thr1577fs; shifts the reading frame from threonine 1577.
Molecular consequence: frameshift variant.
Genome position (GRCh38, 1-based): chr11:108,293,429, T duplicated; the last of 2 consecutive T bases (chr11:108,293,428-108,293,429); duplicating either gives the same sequence. VCF-style (leftmost placement, unchanged base first): chr11-108293427-A-AT. GRCh37 (hg19) VCF-style: chr11-108164154-A-AT.
Other names: c.4728dup, p.Thr1577fs (NM_001351834.2); short protein forms T1577fs.
Identifiers: ClinVar variation 3904739 (VCV003904739.1).

ClinVar aggregate classification (germline): Pathogenic (1 of 4 stars; one submission).

Conditions:
Familial cancer of breast. Also called: Hereditary breast cancer; hereditary breast carcinoma; BREAST CANCER, FAMILIAL. Identifiers: Orphanet 227535, MedGen C0346153, MONDO:0016419, OMIM 114480. Disease mechanism: loss of function.

Submission:

Myriad Genetics, Inc.
Classification: Pathogenic for Familial cancer of breast. Last evaluated: 2025-03-11. Review status: criteria provided, single submitter. Criteria: Myriad Autosomal Dominant, Autosomal Recessive and X-Linked Classification Criteria (2023). Collection method: clinical testing. Allele origin: unknown.
Comment: This variant is considered pathogenic. This variant creates a frameshift predicted to result in premature protein truncation.